The following is an entry in ClinVar:

ClinVar aggregate classification (germline): VUS-mid (1 of 4 stars; one submission).

Conditions:
Glycogen storage disease IXc (GSD9C). Also called: GSD IXc. Identifiers: Orphanet 264580, MedGen C2751643, MONDO:0013091, OMIM 613027.

Submission:

Centro de Investigaciones en Bioquimica Clinica e Inmunologia, Consejo Nacional de Investigaciones Científicas y Técnicas
Classification: VUS-mid for Glycogen storage disease IXc. Last evaluated: 2026-03-09. Review status: criteria provided, single submitter. Criteria: ACMG Guidelines, 2015. Collection method: research. Allele origin: germline. Inheritance: Autosomal recessive inheritance. Affected: yes. Observed: 1 variant allele.
Comment: The variant is absent from the gnomAD population database (PM2_Supporting). Computational evidence supports a deleterious effect on the gene product based on in silico prediction tools (PP3_Supporting). In addition, the patient’s phenotype is consistent with the disease associated with this gene (PP4). However, the currently available evidence is insufficient to support a pathogenic or benign classification. Therefore, this variant is classified as a Variant of Uncertain Significance (VUS).

NM_000294.3(PHKG2):c.380A>G (p.Glu127Gly)

Gene: PHKG2 (phosphorylase kinase catalytic subunit gamma 2; plus strand). Cytogenetic location: 16p11.2.
Variant type: single nucleotide variant.
Coding change: c.380A>G on transcript NM_000294.3 (MANE Select); coding-DNA position 380, A replaced by G.
Protein change: p.Glu127Gly; replaces glutamic acid 127 with glycine.
Molecular consequence: missense variant.
Genome position (GRCh38, 1-based): chr16:30,753,285, A>G. VCF-style: chr16-30753285-A-G. GRCh37 (hg19) VCF-style: chr16-30764606-A-G.
Other names: c.380A>G, p.Glu127Gly (NM_001172432.2); short protein forms E127G.
Identifiers: ClinVar variation 4845312 (VCV004845312.1).